The following is an entry in ClinVar:

ClinVar aggregate classification (germline): Likely benign. Review status: criteria provided, multiple submitters, no conflicts (2 of 4 stars). 3 submissions from 3 submitters: Likely benign (3). Last evaluated 2025-05-23.

Conditions:
Epidermolysis bullosa simplex 3, localized or generalized intermediate, with BP230 deficiency (EBS3). Also called: Epidermolysis bullosa simplex, autosomal recessive 2; Epidermolysis bullosa simplex due to BP230 deficiency. Identifiers: Orphanet 412181, MedGen C3809470, MONDO:0014180, OMIM 615425.
Hereditary sensory and autonomic neuropathy type 6. Also called: HSAN VI; Neuropathy, hereditary sensory and autonomic, type VI. Identifiers: Orphanet 314381, MedGen C3539003, MONDO:0013839, OMIM 614653.
DST-related disorder. Also called: DST-related disorders; DST-related condition.

Allele frequency attached by ClinVar (database versions not stated): gnomAD 0.00001 and 0.00002; gnomAD exomes 0.00001 and 0.00002; TOPMed 0.00003; ExAC 0.00005; 1000 Genomes Project 0.00020; 1000 Genomes Project 30x 0.00031.
gnomAD v4.1: 23 of 1,565,400 alleles (0.0015%); highest among the groups gnomAD compares: Middle Eastern, 0.12%; no homozygotes.

Submissions (3):

PreventionGenetics, part of Exact Sciences
Classification: Likely benign for DST-related condition. Last evaluated: 2025-05-23. Review status: criteria provided, single submitter. Criteria: ACMG Guidelines, 2015. Collection method: clinical testing. Allele origin: germline.
Comment: This variant is classified as likely benign based on ACMG/AMP sequence variant interpretation guidelines (Richards et al. 2015 PMID: 25741868, with internal and published modifications).

Labcorp Genetics (formerly Invitae), Labcorp
Classification: Likely benign for Epidermolysis bullosa simplex 3, localized or generalized intermediate, with BP230 deficiency; Hereditary sensory and autonomic neuropathy type 6. Last evaluated: 2024-12-03. Review status: criteria provided, single submitter. Criteria: Invitae Variant Classification Sherloc (09022015). Collection method: clinical testing. Allele origin: germline.

CeGaT Center for Human Genetics Tuebingen
Classification: Likely benign. Last evaluated: 2020-03-01. Review status: criteria provided, single submitter. Criteria: CeGaT Center For Human Genetics Tuebingen Variant Classification Criteria Version 2. Collection method: clinical testing. Allele origin: germline. Affected: yes. Observed: 1 variant allele.

NM_001374736.1(DST):c.5199G>A (p.Gln1733=)

Gene: DST (dystonin; minus strand). Cytogenetic location: 6p12.1.
Variant type: single nucleotide variant.
Coding change: c.5199G>A on transcript NM_001374736.1 (MANE Select); coding-DNA position 5199, G replaced by A.
Protein change: p.Gln1733=; no amino-acid change (glutamine 1733 retained).
Molecular consequence: synonymous variant.
Genome position (GRCh38, 1-based): chr6:56,610,511, C>T on the plus strand (G>A on the coding strand, the complement: DST is on the minus strand). VCF-style: chr6-56610511-C-T. GRCh37 (hg19) VCF-style: chr6-56475309-C-T.
Other names: c.4566G>A, p.Gln1522= (NM_001374730.1, NM_183380.4, NM_001374729.1); c.5226G>A, p.Gln1742= (NM_001374734.1); c.3588G>A, p.Gln1196= (NM_015548.5); c.5100G>A, p.Gln1700= (NM_001144769.5); c.4686G>A, p.Gln1562= (NM_001144770.2); c.5199G>A, p.Gln1733= (NM_001374722.1); c.5100G>A (NM_001144769.2).
Identifiers: ClinVar variation 916284 (VCV000916284.48), dbSNP rs552582917, ClinGen allele CA3869777.